The following is an entry in ClinVar:

ClinVar aggregate classification (germline): Pathogenic (1 of 4 stars; one submission).

Conditions:
Developmental and epileptic encephalopathy, 11 (DEE11). Also called: Early infantile epileptic encephalopathy 11. Identifiers: Orphanet 1934, MedGen C3150987, MONDO:0013388, OMIM 613721.
Seizures, benign familial infantile, 3 (BFIS3). Also called: Familial neonatal seizures; CONVULSIONS, BENIGN FAMILIAL INFANTILE, 3. Identifiers: Orphanet 140927, Orphanet 306, MedGen C1843140, MONDO:0011904, OMIM 607745.

Submission:

Labcorp Genetics (formerly Invitae), Labcorp
Classification: Pathogenic for Seizures, benign familial infantile, 3; Developmental and epileptic encephalopathy, 11. Last evaluated: 2022-09-20. Review status: criteria provided, single submitter. Criteria: Invitae Variant Classification Sherloc (09022015). Collection method: clinical testing. Allele origin: germline.
Comment: This sequence change creates a premature translational stop signal (p.Arg41Profs*52) in the SCN2A gene. It is expected to result in an absent or disrupted protein product. Loss-of-function variants in SCN2A are known to be pathogenic (PMID: 28379373). This variant is not present in population databases (gnomAD no frequency). This variant has not been reported in the literature in individuals affected with SCN2A-related conditions. For these reasons, this variant has been classified as Pathogenic.

Literature cited by the submitters: PubMed 28379373.

NM_001040142.2(SCN2A):c.122del (p.Arg41fs)

Gene: SCN2A (sodium voltage-gated channel alpha subunit 2; plus strand). Cytogenetic location: 2q24.3.
Variant type: Deletion.
Coding change: c.122del on transcript NM_001040142.2 (MANE Select); coding-DNA position 122, one base deleted (G; older notation c.122delG).
Protein change: p.Arg41fs; shifts the reading frame from arginine 41.
Molecular consequence: frameshift variant.
Genome position (GRCh38, 1-based): chr2:165,295,945, G deleted. VCF-style (leftmost placement, unchanged base first): chr2-165295944-CG-C. GRCh37 (hg19) VCF-style: chr2-166152454-CG-C.
Other names: c.122del, p.Arg41fs (NM_001040143.2, NM_001371246.1, NM_001371247.1 and 1 more transcripts); short protein forms R41fs.
Identifiers: ClinVar variation 2031511 (VCV002031511.4), dbSNP rs2467838286, ClinGen allele CA2580064212.